The following is an entry in ClinVar:

NM_003124.5(SPR):c.757G>A (p.Gly253Arg)

Gene: SPR (sepiapterin reductase; plus strand). Cytogenetic location: 2p13.2.
Variant type: single nucleotide variant.
Coding change: c.757G>A on transcript NM_003124.5 (MANE Select); coding-DNA position 757, G replaced by A.
Protein change: p.Gly253Arg; replaces glycine 253 with arginine.
Molecular consequence: missense variant.
Genome position (GRCh38, 1-based): chr2:72,891,508, G>A. VCF-style: chr2-72891508-G-A. GRCh37 (hg19) VCF-style: chr2-73118637-G-A.
Other names: short protein forms G253R.
Identifiers: ClinVar variation 1915622 (VCV001915622.5), dbSNP rs1472147858, ClinGen allele CA347232877.
Genomic context (GRCh38, chr2:72,891,508, plus strand): 5'-GATTGCAAGGTGTCAGCCCAGAAACTGCTGAGCTTACTGGAAAAGGACGAGTTCAAGTCT[G>A]GAGCCCACGTGGACTTCTATGACAAATAAGCCCATGTTTTTGGCTTCCTGAACCTTTTTG-3'
Protein context (NP_003115.1, residues 243-261): SLLEKDEFKS[Gly253Arg]AHVDFYDK

ClinVar aggregate classification (germline): Uncertain significance (1 of 4 stars; one submission).

Conditions:
Dystonic disorder. Also called: Dystonia. Identifiers: MedGen C0013421, MONDO:0003441, HP:0001332.

Allele frequency attached by ClinVar (database versions not stated): TOPMed below 0.00001.

Submission:

Labcorp Genetics (formerly Invitae), Labcorp
Classification: Uncertain significance for Dystonic disorder. Last evaluated: 2022-08-05. Review status: criteria provided, single submitter. Criteria: Invitae Variant Classification Sherloc (09022015). Collection method: clinical testing. Allele origin: germline.
Comment: This sequence change replaces glycine, which is neutral and non-polar, with arginine, which is basic and polar, at codon 253 of the SPR protein (p.Gly253Arg). In summary, the available evidence is currently insufficient to determine the role of this variant in disease. Therefore, it has been classified as a Variant of Uncertain Significance. Algorithms developed to predict the effect of missense changes on protein structure and function are either unavailable or do not agree on the potential impact of this missense change (SIFT: "Deleterious"; PolyPhen-2: "Probably Damaging"; Align-GVGD: "Class C15"). This variant has not been reported in the literature in individuals affected with SPR-related conditions. This variant is not present in population databases (gnomAD no frequency).